The following is an entry in ClinVar:

ClinVar aggregate classification (germline): Benign/Likely benign. Review status: criteria provided, multiple submitters, no conflicts (2 of 4 stars). 7 submissions from 7 submitters: Benign (2); Likely benign (5). Last evaluated 2026-01-27.

Conditions:
Epidermolysis bullosa simplex 5B, with muscular dystrophy (EBS5B). Also called: Epidermolysis bullosa simplex with muscular dystrophy; EPIDERMOLYSIS BULLOSA SIMPLEX AND LIMB-GIRDLE MUSCULAR DYSTROPHY. Identifiers: Orphanet 257, MedGen C2931072, MONDO:0009181, OMIM 226670.
Epidermolysis bullosa simplex, Ogna type (EBS5A). Also called: Pidermolysis bullosa simplex 5A, Ogna type; EPIDERMOLYSIS BULLOSA SIMPLEX 5A, OGNA TYPE. Identifiers: Orphanet 79401, MedGen C0432317, MONDO:0007555, OMIM 131950.
Epidermolysis bullosa simplex 5C, with pyloric atresia (EBS5C). Also called: PLEC-Related Epidermolysis Bullosa with Pyloric Atresia; Epidermolysis bullosa simplex with pyloric atresia; PLEC1-Related Epidermolysis Bullosa with Pyloric Atresia. Identifiers: Orphanet 158684, MedGen C2677349, MONDO:0012807, OMIM 612138.
Epidermolysis bullosa simplex with nail dystrophy (EBS5D). Identifiers: MedGen C4225309, MONDO:0014661, OMIM 616487.
Autosomal recessive limb-girdle muscular dystrophy type 2Q (LGMDR17). Also called: MUSCULAR DYSTROPHY, LIMB-GIRDLE, AUTOSOMAL RECESSIVE 17. Identifiers: Orphanet 254361, MedGen C3150989, MONDO:0013390, OMIM 613723.

Allele frequency attached by ClinVar (database versions not stated): gnomAD exomes 0.00010; ESP Exome Variant Server 0.00040; gnomAD 0.00081 and 0.00088; TOPMed 0.00085; 1000 Genomes Project 30x 0.00156; 1000 Genomes Project 0.00200.
gnomAD v4.1: 296 of 1,612,958 alleles (0.018%); highest among the groups gnomAD compares: African/African-American, 0.34%; 6 homozygotes.

Submissions (7):

Labcorp Genetics (formerly Invitae), Labcorp
Classification: Benign for Autosomal recessive limb-girdle muscular dystrophy type 2Q; Epidermolysis bullosa simplex, Ogna type; Epidermolysis bullosa simplex with nail dystrophy; Epidermolysis bullosa simplex 5C, with pyloric atresia; Epidermolysis bullosa simplex 5B, with muscular dystrophy. Last evaluated: 2026-01-27. Review status: criteria provided, single submitter. Criteria: Invitae Variant Classification Sherloc (09022015). Collection method: clinical testing. Allele origin: germline.

Blueprint Genetics
Classification: Likely benign. Last evaluated: 2024-10-23. Review status: criteria provided, single submitter. Criteria: ACMG Guidelines, 2015. Collection method: clinical testing. Allele origin: germline.

CeGaT Center for Human Genetics Tuebingen
Classification: Likely benign. Last evaluated: 2022-08-01. Review status: criteria provided, single submitter. Criteria: CeGaT Center For Human Genetics Tuebingen Variant Classification Criteria Version 2. Collection method: clinical testing. Allele origin: germline. Affected: yes. Observed: 2 variant alleles.
Comment: PLEC: BP4, BP7

GeneDx
Classification: Likely benign. Last evaluated: 2021-03-02. Review status: criteria provided, single submitter. Criteria: GeneDx Variant Classification Process June 2021. Collection method: clinical testing. Allele origin: germline. Affected: yes.

Athena Diagnostics
Classification: Benign. Last evaluated: 2019-11-12. Review status: criteria provided, single submitter. Criteria: Athena Diagnostics Criteria. Collection method: clinical testing. Allele origin: unknown.

Eurofins Ntd Llc (ga)
Classification: Likely benign. Last evaluated: 2017-02-28. Review status: criteria provided, single submitter. Criteria: EGL Classification Definitions 2015. Collection method: clinical testing. Allele origin: germline. Observed: 2 variant alleles, 2 heterozygotes.

Genetic Services Laboratory, University of Chicago
Classification: Likely benign. Last evaluated: 2016-09-02. Review status: criteria provided, single submitter. Criteria: ACMG Guidelines, 2015. Collection method: clinical testing. Allele origin: germline. Affected: no.

NM_201384.3(PLEC):c.8331C>T (p.Tyr2777=)

Gene: PLEC (plectin; minus strand). Cytogenetic location: 8q24.3.
Variant type: single nucleotide variant.
Coding change: c.8331C>T on transcript NM_201384.3 (MANE Select); coding-DNA position 8331, C replaced by T.
Protein change: p.Tyr2777=; no amino-acid change (tyrosine 2777 retained).
Molecular consequence: synonymous variant.
Genome position (GRCh38, 1-based): chr8:143,921,490, G>A on the plus strand (C>T on the coding strand, the complement: PLEC is on the minus strand). VCF-style: chr8-143921490-G-A. GRCh37 (hg19) VCF-style: chr8-144995658-G-A.
Other names: c.8412C>T, p.Tyr2804= (NM_000445.5); c.8289C>T, p.Tyr2763= (NM_201378.4); c.8265C>T, p.Tyr2755= (NM_201379.3); c.8742C>T, p.Tyr2914= (NM_201380.4); c.8235C>T, p.Tyr2745= (NM_201381.3); c.8331C>T, p.Tyr2777= (NM_201382.4); c.8343C>T, p.Tyr2781= (NM_201383.3).
Identifiers: ClinVar variation 436323 (VCV000436323.47), dbSNP rs141673192, ClinGen allele CA4925355.